The following is an entry in ClinVar:

ClinVar aggregate classification (germline): Uncertain significance. Review status: criteria provided, multiple submitters, no conflicts (2 of 4 stars). 5 submissions from 5 submitters: Uncertain significance (5). Last evaluated 2025-12-31.

Conditions:
Familial adenomatous polyposis 1 (FAP1). Also called: FAMILIAL ADENOMATOUS POLYPOSIS 1, ATTENUATED; POLYPOSIS, ADENOMATOUS INTESTINAL. Identifiers: MedGen C2713442, MONDO:0021056, OMIM 175100. Disease mechanism: loss of function.
Hereditary cancer-predisposing syndrome. Also called: Tumor predisposition; Hereditary Cancer Syndrome; Hereditary neoplastic syndrome; Neoplastic Syndromes, Hereditary. Identifiers: Orphanet 140162, MedGen C0027672, MeSH D009386, MONDO:0015356.
Classic or attenuated familial adenomatous polyposis. Identifiers: MedGen CN372698, MONDO:0021057.

Allele frequency attached by ClinVar (database versions not stated): TOPMed below 0.00001.

Submissions (5):

Labcorp Genetics (formerly Invitae), Labcorp
Classification: Uncertain significance for Familial adenomatous polyposis 1. Last evaluated: 2025-12-31. Review status: criteria provided, single submitter. Criteria: Invitae Variant Classification Sherloc (09022015). Collection method: clinical testing. Allele origin: germline.
Comment: This sequence change replaces leucine, which is neutral and non-polar, with phenylalanine, which is neutral and non-polar, at codon 1564 of the APC protein (p.Leu1564Phe). This variant is not present in population databases (gnomAD no frequency). This variant has not been reported in the literature in individuals affected with APC-related conditions. ClinVar contains an entry for this variant (Variation ID: 411544). Invitae Evidence Modeling of protein sequence and biophysical properties (such as structural, functional, and spatial information, amino acid conservation, physicochemical variation, residue mobility, and thermodynamic stability) indicates that this missense variant is not expected to disrupt APC protein function with a negative predictive value of 95%. In summary, the available evidence is currently insufficient to determine the role of this variant in disease. Therefore, it has been classified as a Variant of Uncertain Significance.

All of Us Research Program, National Institutes of Health
Classification: Uncertain significance for Classic or attenuated familial adenomatous polyposis. Last evaluated: 2024-03-05. Review status: criteria provided, single submitter. Criteria: ACMG Guidelines, 2015. Collection method: clinical testing. Allele origin: germline. Inheritance: Autosomal dominant inheritance. Observed: 2 variant alleles, 2 heterozygotes.
Comment: This missense variant replaces leucine with phenylalanine at codon 1564 of the APC protein. Computational prediction suggests that this variant may not impact protein structure and function (internally defined REVEL score threshold <= 0.5, PMID: 27666373). To our knowledge, functional studies have not been reported for this variant. This variant has not been reported in individuals affected with APC-related disorders in the literature. This variant has not been identified in the general population by the Genome Aggregation Database (gnomAD). The available evidence is insufficient to determine the role of this variant in disease conclusively. Therefore, this variant is classified as a Variant of Uncertain Significance.

This study involves interpretation of variants in research participants for the purpose of population health screening. Participant phenotype was not available at the time of variant classification. Additional details can be found in publication PMID: 35346344, PMCID: PMC8962531

Ambry Genetics
Classification: Uncertain significance for Hereditary cancer-predisposing syndrome. Last evaluated: 2023-11-15. Review status: criteria provided, single submitter. Criteria: Ambry Variant Classification Scheme 2023. Collection method: clinical testing. Allele origin: germline.
Comment: The p.L1564F variant (also known as c.4692A>C), located in coding exon 15 of the APC gene, results from an A to C substitution at nucleotide position 4692. The leucine at codon 1564 is replaced by phenylalanine, an amino acid with highly similar properties. This amino acid position is highly conserved in available vertebrate species. In addition, in silico predictors for this gene do not accurately predict pathogenicity. Since supporting evidence is limited at this time, the clinical significance of this alteration remains unclear.

Women's Health and Genetics/Laboratory Corporation of America, LabCorp
Classification: Uncertain significance. Last evaluated: 2022-12-17. Review status: criteria provided, single submitter. Criteria: LabCorp Variant Classification Summary - May 2015. Collection method: clinical testing. Allele origin: germline.

Baylor Genetics
Classification: Uncertain significance for Familial adenomatous polyposis 1. Last evaluated: 2021-07-27. Review status: criteria provided, single submitter. Criteria: ACMG Guidelines, 2015. Collection method: clinical testing. Allele origin: paternal. Affected: yes. Study: CSER-TexasKidsCanSeq.
Comment: This variant was determined to be of uncertain significance according to ACMG Guidelines, 2015 [PMID:25741868].

NM_000038.6(APC):c.4692A>C (p.Leu1564Phe)

Gene: APC (APC regulator of Wnt signaling pathway; plus strand). Cytogenetic location: 5q22.2.
Variant type: single nucleotide variant.
Coding change: c.4692A>C on transcript NM_000038.6 (MANE Select); coding-DNA position 4692, A replaced by C.
Protein change: p.Leu1564Phe; replaces leucine 1564 with phenylalanine.
Molecular consequence: missense variant.
Genome position (GRCh38, 1-based): chr5:112,840,286, A>C. VCF-style: chr5-112840286-A-C. GRCh37 (hg19) VCF-style: chr5-112175983-A-C.
Other names: c.4692A>C, p.Leu1564Phe (NM_001127510.3, NM_001354895.2); c.4638A>C, p.Leu1546Phe (NM_001127511.3); c.4746A>C, p.Leu1582Phe (NM_001354896.2); c.4722A>C, p.Leu1574Phe (NM_001354897.2); c.4617A>C, p.Leu1539Phe (NM_001354898.2); c.4608A>C, p.Leu1536Phe (NM_001354899.2); c.4569A>C, p.Leu1523Phe (NM_001354900.2); c.4515A>C, p.Leu1505Phe (NM_001354901.2); and 5 more; short protein forms L1546F, L1564F, L1404F, L1574F, L1473F, L1523F, L1539F, L1281F.
Identifiers: ClinVar variation 411544 (VCV000411544.20), dbSNP rs1060503364, ClinGen allele CA16031617.